The following is an entry in ClinVar:

ClinVar aggregate classification (germline): Conflicting classifications of pathogenicity. Review status: criteria provided, conflicting classifications (1 of 4 stars). 6 submissions from 6 submitters: Uncertain significance (2); Likely benign (4). Last evaluated 2026-09-21.

Conditions:
Inborn genetic diseases. Identifiers: MedGen C0950123, MeSH D030342.
AARS2-related disorder. Also called: AARS2-related condition; AARS2-related disorders. Identifiers: MedGen CN381518, MONDO:1060240.

Allele frequency attached by ClinVar (database versions not stated): gnomAD exomes 0.00005 and 0.00015; ExAC 0.00015; 1000 Genomes Project 30x 0.00016; 1000 Genomes Project 0.00020; gnomAD 0.00045 and 0.00048; TOPMed 0.00045; ESP Exome Variant Server 0.00054.
gnomAD v4.1: 138 of 1,613,824 alleles (0.0086%); highest among the groups gnomAD compares: African/African-American, 0.15%; no homozygotes.

Submissions (6):

Molecular Diagnostic Laboratory for Inherited Cardiovascular Disease, Montreal Heart Institute
Classification: Likely benign. Last evaluated: 2026-09-21. Review status: criteria provided, single submitter. Criteria: ACMG Guidelines, 2015. Collection method: clinical testing. Allele origin: germline. Affected: no.
Comment: BS1;BP4

PreventionGenetics, part of Exact Sciences
Classification: Likely benign for AARS2-related condition. Last evaluated: 2025-11-25. Review status: criteria provided, single submitter. Criteria: ACMG Guidelines, 2015. Collection method: clinical testing. Allele origin: germline.
Comment: This variant is classified as likely benign based on ACMG/AMP sequence variant interpretation guidelines (Richards et al. 2015 PMID: 25741868, with internal and published modifications).

Labcorp Genetics (formerly Invitae), Labcorp
Classification: Likely benign. Last evaluated: 2025-09-29. Review status: criteria provided, single submitter. Criteria: Invitae Variant Classification Sherloc (09022015). Collection method: clinical testing. Allele origin: germline.

GeneDx
Classification: Uncertain significance. Last evaluated: 2024-04-23. Review status: criteria provided, single submitter. Criteria: GeneDx Variant Classification Process June 2021. Collection method: clinical testing. Allele origin: germline. Affected: yes.
Comment: In silico analysis indicates that this missense variant does not alter protein structure/function; Has not been previously published as pathogenic or benign to our knowledge

Ambry Genetics
Classification: Uncertain significance for Inborn genetic diseases. Last evaluated: 2021-07-13. Review status: criteria provided, single submitter. Criteria: Ambry Variant Classification Scheme 2023. Collection method: clinical testing. Allele origin: germline.

CeGaT Center for Human Genetics Tuebingen
Classification: Likely benign. Last evaluated: 2020-05-01. Review status: criteria provided, single submitter. Criteria: CeGaT Center For Human Genetics Tuebingen Variant Classification Criteria Version 2. Collection method: clinical testing. Allele origin: germline. Affected: yes. Observed: 1 variant allele.

NM_020745.4(AARS2):c.2630G>A (p.Arg877Gln)

Gene: AARS2 (alanyl-tRNA synthetase 2, mitochondrial; minus strand). Cytogenetic location: 6p21.1.
Variant type: single nucleotide variant.
Coding change: c.2630G>A on transcript NM_020745.4 (MANE Select); coding-DNA position 2630, G replaced by A.
Protein change: p.Arg877Gln; replaces arginine 877 with glutamine.
Molecular consequence: missense variant.
Genome position (GRCh38, 1-based): chr6:44,301,433, C>T on the plus strand (G>A on the coding strand, the complement: AARS2 is on the minus strand). VCF-style: chr6-44301433-C-T. GRCh37 (hg19) VCF-style: chr6-44269170-C-T.
Other names: c.2630G>A (NM_020745.3); short protein forms R877Q.
Identifiers: ClinVar variation 932472 (VCV000932472.52), dbSNP rs141941157, ClinGen allele CA3833901.